The following is an entry in ClinVar:

ClinVar aggregate classification (germline): Uncertain significance. Review status: criteria provided, multiple submitters, no conflicts (2 of 4 stars). 2 submissions from 2 submitters: Uncertain significance (2). Last evaluated 2025-11-17.

Conditions:
Inborn genetic diseases. Identifiers: MedGen C0950123, MeSH D030342.

Submissions (2):

Ambry Genetics
Classification: Uncertain significance for Inborn genetic diseases. Last evaluated: 2025-11-17. Review status: criteria provided, single submitter. Criteria: Ambry Variant Classification Scheme 2023. Collection method: clinical testing. Allele origin: germline.
Comment: The p.P1079L variant (also known as c.3236C>T), located in coding exon 1 of the SAMD9L gene, results from a C to T substitution at nucleotide position 3236. The proline at codon 1079 is replaced by leucine, an amino acid with similar properties. This amino acid position is conserved. In addition, this alteration is predicted to be tolerated by in silico analysis. Based on the available evidence, the clinical significance of this variant remains unclear.

GeneDx
Classification: Uncertain significance. Last evaluated: 2023-05-19. Review status: criteria provided, single submitter. Criteria: GeneDx Variant Classification Process June 2021. Collection method: clinical testing. Allele origin: germline. Affected: yes.
Comment: Not observed at significant frequency in large population cohorts (gnomAD); In silico analysis supports that this missense variant has a deleterious effect on protein structure/function; Has not been previously published as pathogenic or benign to our knowledge; This variant is associated with the following publications: (PMID: 28545555)

NM_152703.5(SAMD9L):c.3236C>T (p.Pro1079Leu)

Gene: SAMD9L (sterile alpha motif domain containing 9 like; minus strand). Cytogenetic location: 7q21.2.
Variant type: single nucleotide variant.
Coding change: c.3236C>T on transcript NM_152703.5 (MANE Select); coding-DNA position 3236, C replaced by T.
Protein change: p.Pro1079Leu; replaces proline 1079 with leucine.
Molecular consequence: missense variant.
Genome position (GRCh38, 1-based): chr7:93,132,736, G>A on the plus strand (C>T on the coding strand, the complement: SAMD9L is on the minus strand). VCF-style: chr7-93132736-G-A. GRCh37 (hg19) VCF-style: chr7-92762049-G-A.
Other names: c.3236C>T (NM_152703.2); c.3236C>T, p.Pro1079Leu (NM_001303496.3, NM_001303497.3, NM_001303498.3 and 5 more transcripts); short protein forms P1079L.
Identifiers: ClinVar variation 3343721 (VCV003343721.2).